The following is an entry in ClinVar:

NM_001429.4(EP300):c.6378C>T (p.Ser2126=)

Gene: EP300 (EP300 lysine acetyltransferase; plus strand). Cytogenetic location: 22q13.2.
Variant type: single nucleotide variant.
Coding change: c.6378C>T on transcript NM_001429.4 (MANE Select); coding-DNA position 6378, C replaced by T.
Protein change: p.Ser2126=; no amino-acid change (serine 2126 retained).
Molecular consequence: synonymous variant.
Genome position (GRCh38, 1-based): chr22:41,178,089, C>T. VCF-style: chr22-41178089-C-T. GRCh37 (hg19) VCF-style: chr22-41574093-C-T.
Other names: c.6378C>T (NM_001429.3); c.6300C>T, p.Ser2100= (NM_001362843.2).
Identifiers: ClinVar variation 2169376 (VCV002169376.6), dbSNP rs368321182, ClinGen allele CA10253842.

ClinVar aggregate classification (germline): Benign. Review status: criteria provided, single submitter (1 of 4 stars). 2 submissions from 2 submitters: Benign (1). 1 of the submissions does not count toward it. Last evaluated 2025-11-27.

Conditions:
Rubinstein-Taybi syndrome due to EP300 haploinsufficiency. Also called: EP300-Related Rubinstein-Taybi Syndrome; RUBINSTEIN-TAYBI SYNDROME 2. Identifiers: Orphanet 353284, Orphanet 783, MedGen C3150941, MONDO:0013364, OMIM 613684.
EP300-related disorder. Also called: EP300-related condition; EP300-related disorders.

Allele frequency attached by ClinVar (database versions not stated): gnomAD exomes below 0.00001; ExAC 0.00002; gnomAD 0.00002; TOPMed 0.00002; 1000 Genomes Project 30x 0.00016; 1000 Genomes Project 0.00020.
gnomAD v4.1: 10 of 1,614,104 alleles (0.00062%); highest among the groups gnomAD compares: South Asian, 0.0066%; no homozygotes.

Submissions (2):

Labcorp Genetics (formerly Invitae), Labcorp
Classification: Benign for Rubinstein-Taybi syndrome due to EP300 haploinsufficiency. Last evaluated: 2025-11-27. Review status: criteria provided, single submitter. Criteria: Invitae Variant Classification Sherloc (09022015). Collection method: clinical testing. Allele origin: germline.

PreventionGenetics, part of Exact Sciences
Classification: Likely benign for EP300-related condition. Last evaluated: 2019-05-08. Review status: no assertion criteria provided. Collection method: clinical testing. Allele origin: germline. Not counted in ClinVar's aggregate classification.
Comment: This variant is classified as likely benign based on ACMG/AMP sequence variant interpretation guidelines (Richards et al. 2015 PMID: 25741868, with internal and published modifications).